The following is an entry in ClinVar:

ClinVar aggregate classification (germline): Uncertain significance (1 of 4 stars; one submission).

Submission:

GeneDx
Classification: Uncertain significance. Last evaluated: 2025-04-15. Review status: criteria provided, single submitter. Criteria: GeneDx Variant Classification Process June 2021. Collection method: clinical testing. Allele origin: germline. Affected: yes.
Comment: Frameshift variant predicted to result in abnormal protein length as the last 59 amino acids are replaced with 63 different amino acid; Not observed at significant frequency in large population cohorts (gnomAD); Has not been previously published as pathogenic or benign to our knowledge

NM_000264.5(PTCH1):c.4163_4164dup (p.Pro1389fs)

Gene: PTCH1 (patched 1; minus strand). Cytogenetic location: 9q22.32.
Variant type: Duplication.
Coding change: c.4163_4164dup on transcript NM_000264.5 (MANE Select); coding-DNA positions 4163 to 4164, 2 bases duplicated (GG; older notation c.4163_4164dupGG).
Protein change: p.Pro1389fs; shifts the reading frame from proline 1389.
Molecular consequence: frameshift variant. On other transcripts: non-coding transcript variant (1).
Genome position (GRCh38, 1-based): chr9:95,447,092-95,447,093, CC duplicated on the plus strand (GG on the coding strand, the reverse complement: PTCH1 is on the minus strand); duplicating any 2 consecutive bases within chr9:95,447,092-95,447,094 gives the same sequence; the c. name uses the placement nearest the transcript's 3' end. VCF-style (leftmost placement, unchanged base first): chr9-95447091-G-GCC. GRCh37 (hg19) VCF-style: chr9-98209373-G-GCC.
Other names: c.4163_4164dup (NM_000264.3); c.3965_3966dup, p.Pro1323fs (NM_001083602.3); c.4160_4161dup, p.Pro1388fs (NM_001083603.3); c.3710_3711dup, p.Pro1238fs (NM_001083604.3, NM_001083605.3, NM_001083606.3 and 1 more transcripts); c.4007_4008dup, p.Pro1337fs (NM_001354918.2); short protein forms P1238fs, P1323fs, P1337fs, P1388fs, P1389fs.
Identifiers: ClinVar variation 4282206 (VCV004282206.1).
Genomic context (GRCh38, chr9:95,447,091, plus strand): 5'-ACAGGCCGTGGTCAGTCTCAGGGTAGCCTGGGCAGAGTCCCCCTCGGGGGTTCCGCCCAG[G>GCC]CCCAGGGACAGGCGGCGGGTGCACGGCGACAGTCACGGAGGCAGAAGCCGTCACAGTGGT-3'